The following is an entry in ClinVar:

NM_018897.3(DNAH7):c.10969A>T (p.Ser3657Cys)

Gene: DNAH7 (dynein axonemal heavy chain 7; minus strand). Cytogenetic location: 2q32.3.
Variant type: single nucleotide variant.
Coding change: c.10969A>T on transcript NM_018897.3 (MANE Select); coding-DNA position 10969, A replaced by T.
Protein change: p.Ser3657Cys; replaces serine 3657 with cysteine.
Molecular consequence: missense variant.
Genome position (GRCh38, 1-based): chr2:195,777,895, T>A on the plus strand (A>T on the coding strand, the complement: DNAH7 is on the minus strand). VCF-style: chr2-195777895-T-A. GRCh37 (hg19) VCF-style: chr2-196642619-T-A.
Other names: short protein forms S3657C.
Identifiers: ClinVar variation 3764317 (VCV003764317.1).

ClinVar aggregate classification (germline): Uncertain significance (1 of 4 stars; one submission).

gnomAD v4.1: 8 of 1,614,108 alleles (0.0005%); highest among the groups gnomAD compares: Non-Finnish European, 0.00068%; no homozygotes.

Submission:

GeneDx
Classification: Uncertain significance. Last evaluated: 2024-08-19. Review status: criteria provided, single submitter. Criteria: GeneDx Variant Classification Process June 2021. Collection method: clinical testing. Allele origin: germline. Affected: yes.
Comment: Not observed at significant frequency in large population cohorts (gnomAD); In silico analysis supports that this missense variant has a deleterious effect on protein structure/function; Has not been previously published as pathogenic or benign to our knowledge